The following is an entry in ClinVar:

NM_000310.4(PPT1):c.708_712delinsAGA (p.Pro238fs)

Gene: PPT1 (palmitoyl-protein thioesterase 1; minus strand). Cytogenetic location: 1p34.2.
Variant type: Indel.
Coding change: c.708_712delinsAGA on transcript NM_000310.4 (MANE Select); coding-DNA positions 708 to 712, GGACC replaced by AGA.
Protein change: p.Pro238fs; shifts the reading frame from proline 238.
Molecular consequence: frameshift variant.
Genome position (GRCh38, 1-based): chr1:40,078,574-40,078,578, GGTCC replaced by TCT on the plus strand (GGACC replaced by AGA on the coding strand, the reverse complement: PPT1 is on the minus strand). VCF-style: chr1-40078574-GGTCC-TCT. GRCh37 (hg19) VCF-style: chr1-40544246-GGTCC-TCT.
Other names: c.708_712delGGACCinsAGA, p.Pro238Cysfs (NM_000310.3); c.399_403delinsAGA, p.Pro135fs (NM_001142604.2); c.708_712delinsAGA, p.Pro238fs (NM_001363695.2); short protein forms P135fs, P238fs.
Identifiers: ClinVar variation 1705128 (VCV001705128.1), dbSNP rs2523635525, ClinGen allele CA2580062730.

ClinVar aggregate classification (germline): Likely pathogenic (1 of 4 stars; one submission).

Conditions:
Neuronal ceroid lipofuscinosis. Also called: Neuronal Ceroid Lipofuscinoses. Identifiers: Orphanet 216, Orphanet 79263, MedGen C0027877, MONDO:0016295. Disease mechanism: loss of function.

Submission:

Women's Health and Genetics/Laboratory Corporation of America, LabCorp
Classification: Likely pathogenic for Neuronal ceroid lipofuscinosis. Last evaluated: 2022-08-02. Review status: criteria provided, single submitter. Criteria: LabCorp Variant Classification Summary - May 2015. Collection method: clinical testing. Allele origin: germline.
Comment: Variant summary: PPT1 c.708_712delinsAGA (p.Pro238CysfsX56) results in a premature termination codon, predicted to cause a truncation of the encoded protein or absence of the protein due to nonsense mediated decay, which are commonly known mechanisms for disease. Truncation downstream of this position is associated with Neuronal ceroid lipofuscinosis, late infantile in HGMD. The variant was absent in 251398 control chromosomes (gnomAD). To our knowledge, no occurrence of c.708_712delinsAGA in individuals affected with Neuronal Ceroid-Lipofuscinosis (Batten Disease) and no experimental evidence demonstrating its impact on protein function have been reported. No clinical diagnostic laboratories have submitted clinical-significance assessments for this variant to ClinVar after 2014. Based on the evidence outlined above, the variant was classified as likely pathogenic.